The following is an entry in ClinVar:

ClinVar aggregate classification (germline): Pathogenic (1 of 4 stars; one submission).

Conditions:
Glycogen storage disease XV (GSD15). Also called: GLYCOGENIN DEFICIENCY; GSD XV. Identifiers: Orphanet 263297, MedGen C3150754, MONDO:0013291, OMIM 613507.
Polyglucosan body myopathy type 2. Identifiers: Orphanet 456369, MedGen C4015452, MONDO:0014526, OMIM 616199.

Submission:

Labcorp Genetics (formerly Invitae), Labcorp
Classification: Pathogenic for Polyglucosan body myopathy type 2; Glycogen storage disease XV. Last evaluated: 2018-02-28. Review status: criteria provided, single submitter. Criteria: Invitae Variant Classification Sherloc (09022015). Collection method: clinical testing. Allele origin: germline.
Comment: For these reasons, this variant has been classified as Pathogenic. Loss-of-function variants in GYG1 are known to be pathogenic (PMID: 20357282, 25272951). This variant has not been reported in the literature in individuals with GYG1-related disease. This variant is not present in population databases (ExAC no frequency). This sequence change creates a premature translational stop signal (p.Glu52*) in the GYG1 gene. It is expected to result in an absent or disrupted protein product.

Literature cited by the submitters: PubMed 20357282; PubMed 25272951.

NM_004130.4(GYG1):c.154G>T (p.Glu52Ter)

Gene: GYG1 (glycogenin 1; plus strand). Cytogenetic location: 3q24.
Variant type: single nucleotide variant.
Coding change: c.154G>T on transcript NM_004130.4 (MANE Select); coding-DNA position 154, G replaced by T.
Protein change: p.Glu52Ter; replaces glutamic acid 52 with a stop codon.
Molecular consequence: nonsense.
Genome position (GRCh38, 1-based): chr3:148,996,312, G>T. VCF-style: chr3-148996312-G-T. GRCh37 (hg19) VCF-style: chr3-148714099-G-T.
Other names: c.154G>T, p.Glu52Ter (NM_001184720.2, NM_001184721.2); short protein forms E52*.
Identifiers: ClinVar variation 569450 (VCV000569450.6), dbSNP rs1559834349, ClinGen allele CA354911172.